The following is an entry in ClinVar:

ClinVar aggregate classification (germline): Conflicting classifications of pathogenicity. Review status: criteria provided, conflicting classifications (1 of 4 stars). 2 submissions from 2 submitters: Likely pathogenic (1); Uncertain significance (1). Last evaluated 2024-05-30.

Conditions:
Autosomal dominant Alport syndrome (ATS3A). Also called: Alport syndrome dominant type; Renal failure and sensorineural hearing loss; ALPORT SYNDROME 3A, AUTOSOMAL DOMINANT. Identifiers: Orphanet 63, Orphanet 88918, MedGen C5882663, MONDO:0007086, OMIM 104200.
Hematuria, benign familial, 2 (BFH2). Identifiers: MedGen C5830421, MONDO:0958186, OMIM 620320.
Alport syndrome 3b, autosomal recessive. Identifiers: MedGen C5882699, MONDO:0957811, OMIM 620536.

Submissions (2):

Fulgent Genetics
Classification: Likely pathogenic for Autosomal dominant Alport syndrome; Hematuria, benign familial, 2; Alport syndrome 3b, autosomal recessive. Last evaluated: 2024-05-30. Review status: criteria provided, single submitter. Criteria: ACMG Guidelines, 2015. Collection method: clinical testing. Allele origin: germline.

Women's Health and Genetics/Laboratory Corporation of America, LabCorp
Classification: Uncertain significance. Last evaluated: 2024-05-23. Review status: criteria provided, single submitter. Criteria: LabCorp Variant Classification Summary - May 2015. Collection method: clinical testing. Allele origin: germline.
Comment: Variant summary: COL4A3 c.443G>A (p.Gly148Asp) results in a non-conservative amino acid change located in the Triple helical region (Uniprot) of the encoded protein sequence. This missense variant disrupts a glycine residue at a position in the collagenous domain of the collagen IV alpha 3 chain for which the impact is not established. Five of five in-silico tools predict a damaging effect of the variant on protein function. Additionally, this variant disrupts the second nucleotide of exon 8, and therefore can affect splicing. Consensus agreement among computation tools predict no significant impact on normal splicing. However, these predictions have yet to be confirmed by functional studies. The variant was absent in 249524 control chromosomes (gnomAD). The available data on variant occurrences in the general population are insufficient to allow any conclusion about variant significance. To our knowledge, no occurrence of c.443G>A in individuals affected with Alport Syndrome, Autosomal Recessive and no experimental evidence demonstrating its impact on protein function have been reported. No submitters have cited clinical-significance assessments for this variant to ClinVar. Based on the evidence outlined above, the variant was classified as uncertain significance.

NM_000091.5(COL4A3):c.443G>A (p.Gly148Asp)

Genes: COL4A3 (collagen type IV alpha 3 chain; plus strand), MFF-DT (MFF divergent transcript; minus strand). Cytogenetic location: 2q36.3.
Variant type: single nucleotide variant.
Coding change: c.443G>A on transcript NM_000091.5 (MANE Select); coding-DNA position 443, G replaced by A.
Protein change: p.Gly148Asp; replaces glycine 148 with aspartic acid.
Molecular consequence: missense variant.
Genome position (GRCh38, 1-based): chr2:227,247,559, G>A. VCF-style: chr2-227247559-G-A. GRCh37 (hg19) VCF-style: chr2-228112275-G-A.
Other names: short protein forms G148D.
Identifiers: ClinVar variation 3336422 (VCV003336422.2).